The following is an entry in ClinVar:

ClinVar aggregate classification (germline): Pathogenic (1 of 4 stars; one submission).

Submission:

Labcorp Genetics (formerly Invitae), Labcorp
Classification: Pathogenic. Last evaluated: 2023-03-26. Review status: criteria provided, single submitter. Criteria: Invitae Variant Classification Sherloc (09022015). Collection method: clinical testing. Allele origin: germline.
Comment: This variant is not present in population databases (gnomAD no frequency). For these reasons, this variant has been classified as Pathogenic. This variant is also known as 2971-2974del CAAA. This premature translational stop signal has been observed in individual(s) with Bartter syndrome type 1 (PMID: 17998760). This sequence change creates a premature translational stop signal (p.Asn984Lysfs*10) in the SLC12A1 gene. It is expected to result in an absent or disrupted protein product. Loss-of-function variants in SLC12A1 are known to be pathogenic (PMID: 8640224, 9585600, 19096086).

Literature cited by the submitters: PubMed 17998760; PubMed 8640224; PubMed 9585600; PubMed 19096086.

NM_000338.3(SLC12A1):c.2952_2955del (p.Asn984fs)

Gene: SLC12A1 (solute carrier family 12 member 1; plus strand). Cytogenetic location: 15q21.1.
Variant type: Microsatellite.
Coding change: c.2952_2955del on transcript NM_000338.3 (MANE Select); coding-DNA positions 2952 to 2955, 4 bases deleted (CAAA; older notation c.2952_2955delCAAA).
Protein change: p.Asn984fs; shifts the reading frame from asparagine 984.
Molecular consequence: frameshift variant.
Genome position (GRCh38, 1-based): chr15:48,291,856-48,291,859, CAAA deleted; deleting any 4 consecutive bases within chr15:48,291,852-48,291,859 gives the same sequence; the c. name uses the placement nearest the transcript's 3' end. VCF-style (leftmost placement, unchanged base first): chr15-48291851-CCAAA-C. GRCh37 (hg19) VCF-style: chr15-48584048-CCAAA-C.
Other names: c.2952_2955del, p.Asn984fs (NM_001184832.2, NM_001384136.1); short protein forms N984fs.
Identifiers: ClinVar variation 2736217 (VCV002736217.3), dbSNP rs901038678, ClinGen allele CA269456019.